The following is an entry in ClinVar:

ClinVar aggregate classification (germline): Benign/Likely benign. Review status: criteria provided, multiple submitters, no conflicts (2 of 4 stars). 3 submissions from 3 submitters: Benign (1); Likely benign (2). Last evaluated 2026-02-03.

Allele frequency attached by ClinVar (database versions not stated): gnomAD 0.00001 and 0.00022; TOPMed 0.00003; gnomAD exomes 0.00037 and 0.00068; ExAC 0.00086; 1000 Genomes Project 0.00140; 1000 Genomes Project 30x 0.00141.
gnomAD v4.1: 575 of 1,614,240 alleles (0.036%); highest among the groups gnomAD compares: South Asian, 0.6%; 6 homozygotes.

Submissions (3):

Labcorp Genetics (formerly Invitae), Labcorp
Classification: Benign. Last evaluated: 2026-02-03. Review status: criteria provided, single submitter. Criteria: Invitae Variant Classification Sherloc (09022015). Collection method: clinical testing. Allele origin: germline.

Blueprint Genetics
Classification: Likely benign. Last evaluated: 2024-10-04. Review status: criteria provided, single submitter. Criteria: ACMG Guidelines, 2015. Collection method: clinical testing. Allele origin: germline.

CeGaT Center for Human Genetics Tuebingen
Classification: Likely benign. Last evaluated: 2023-10-01. Review status: criteria provided, single submitter. Criteria: CeGaT Center For Human Genetics Tuebingen Variant Classification Criteria Version 2. Collection method: clinical testing. Allele origin: germline. Affected: yes. Observed: 2 variant alleles.
Comment: ATP1A1: BP4, BP7

NM_000701.8(ATP1A1):c.2331T>G (p.Ala777=)

Genes: ATP1A1 (ATPase Na+/K+ transporting subunit alpha 1; plus strand), ATP1A1-AS1 (ATP1A1 antisense RNA 1; minus strand). Cytogenetic location: 1p13.1.
Variant type: single nucleotide variant.
Coding change: c.2331T>G on transcript NM_000701.8 (MANE Select); coding-DNA position 2331, T replaced by G.
Protein change: p.Ala777=; no amino-acid change (alanine 777 retained).
Molecular consequence: synonymous variant.
Genome position (GRCh38, 1-based): chr1:116,398,967, T>G. VCF-style: chr1-116398967-T-G. GRCh37 (hg19) VCF-style: chr1-116941589-T-G.
Other names: c.2331T>G, p.Ala777= (NM_001160233.2); c.2238T>G, p.Ala746= (NM_001160234.2).
Identifiers: ClinVar variation 1597358 (VCV001597358.33), dbSNP rs530130545, ClinGen allele CA1025526.